The following is an entry in ClinVar:

ClinVar aggregate classification (germline): Uncertain significance (1 of 4 stars; one submission).

Conditions:
Epidermolysis bullosa simplex with nail dystrophy (EBS5D). Identifiers: MedGen C4225309, MONDO:0014661, OMIM 616487.
Epidermolysis bullosa simplex 5B, with muscular dystrophy (EBS5B). Also called: EPIDERMOLYSIS BULLOSA SIMPLEX AND LIMB-GIRDLE MUSCULAR DYSTROPHY; Epidermolysis bullosa simplex with muscular dystrophy. Identifiers: Orphanet 257, MedGen C2931072, MONDO:0009181, OMIM 226670.
Epidermolysis bullosa simplex, Ogna type (EBS5A). Also called: Pidermolysis bullosa simplex 5A, Ogna type; EPIDERMOLYSIS BULLOSA SIMPLEX 5A, OGNA TYPE. Identifiers: Orphanet 79401, MedGen C0432317, MONDO:0007555, OMIM 131950.
Autosomal recessive limb-girdle muscular dystrophy type 2Q (LGMDR17). Also called: MUSCULAR DYSTROPHY, LIMB-GIRDLE, AUTOSOMAL RECESSIVE 17. Identifiers: Orphanet 254361, MedGen C3150989, MONDO:0013390, OMIM 613723.
Epidermolysis bullosa simplex 5C, with pyloric atresia (EBS5C). Also called: PLEC-Related Epidermolysis Bullosa with Pyloric Atresia; Epidermolysis bullosa simplex with pyloric atresia; PLEC1-Related Epidermolysis Bullosa with Pyloric Atresia. Identifiers: Orphanet 158684, MedGen C2677349, MONDO:0012807, OMIM 612138.

Allele frequency attached by ClinVar (database versions not stated): gnomAD 0.00001; TOPMed 0.00001; gnomAD exomes 0.00002; ExAC 0.00003.
gnomAD v4.1: 11 of 1,612,704 alleles (0.00068%); highest among the groups gnomAD compares: East Asian, 0.022%; no homozygotes.

Submission:

Labcorp Genetics (formerly Invitae), Labcorp
Classification: Uncertain significance for Autosomal recessive limb-girdle muscular dystrophy type 2Q; Epidermolysis bullosa simplex, Ogna type; Epidermolysis bullosa simplex with nail dystrophy; Epidermolysis bullosa simplex 5C, with pyloric atresia; Epidermolysis bullosa simplex 5B, with muscular dystrophy. Last evaluated: 2023-02-09. Review status: criteria provided, single submitter. Criteria: Invitae Variant Classification Sherloc (09022015). Collection method: clinical testing. Allele origin: germline.
Comment: Algorithms developed to predict the effect of missense changes on protein structure and function are either unavailable or do not agree on the potential impact of this missense change (SIFT: "Deleterious"; PolyPhen-2: "Not Available"; Align-GVGD: "Class C55"). This sequence change replaces glutamic acid, which is acidic and polar, with lysine, which is basic and polar, at codon 1342 of the PLEC protein (p.Glu1342Lys). This variant is present in population databases (rs782504857, gnomAD 0.03%). This variant has not been reported in the literature in individuals affected with PLEC-related conditions. ClinVar contains an entry for this variant (Variation ID: 538977). In summary, the available evidence is currently insufficient to determine the role of this variant in disease. Therefore, it has been classified as a Variant of Uncertain Significance.

NM_201384.3(PLEC):c.3943G>A (p.Glu1315Lys)

Gene: PLEC (plectin; minus strand). Cytogenetic location: 8q24.3.
Variant type: single nucleotide variant.
Coding change: c.3943G>A on transcript NM_201384.3 (MANE Select); coding-DNA position 3943, G replaced by A.
Protein change: p.Glu1315Lys; replaces glutamic acid 1315 with lysine.
Molecular consequence: missense variant.
Genome position (GRCh38, 1-based): chr8:143,926,979, C>T on the plus strand (G>A on the coding strand, the complement: PLEC is on the minus strand). VCF-style: chr8-143926979-C-T. GRCh37 (hg19) VCF-style: chr8-145001147-C-T.
Other names: c.4024G>A, p.Glu1342Lys (NM_000445.5); c.3901G>A, p.Glu1301Lys (NM_201378.4); c.3877G>A, p.Glu1293Lys (NM_201379.3); c.4354G>A, p.Glu1452Lys (NM_201380.4); c.3847G>A, p.Glu1283Lys (NM_201381.3); c.3943G>A, p.Glu1315Lys (NM_201382.4); c.3955G>A, p.Glu1319Lys (NM_201383.3); short protein forms E1293K, E1315K, E1319K, E1283K, E1301K, E1452K, E1342K.
Identifiers: ClinVar variation 538977 (VCV000538977.6), dbSNP rs782504857, ClinGen allele CA4926852.